The following is an entry in ClinVar:

NM_005051.3(QARS1):c.1832T>G (p.Ile611Ser)

Gene: QARS1 (glutaminyl-tRNA synthetase 1; minus strand). Cytogenetic location: 3p21.31.
Variant type: single nucleotide variant.
Coding change: c.1832T>G on transcript NM_005051.3 (MANE Select); coding-DNA position 1832, T replaced by G.
Protein change: p.Ile611Ser; replaces isoleucine 611 with serine.
Molecular consequence: missense variant. On other transcripts: non-coding transcript variant (1).
Genome position (GRCh38, 1-based): chr3:49,098,916, A>C on the plus strand (T>G on the coding strand, the complement: QARS1 is on the minus strand). VCF-style: chr3-49098916-A-C. GRCh37 (hg19) VCF-style: chr3-49136349-A-C.
Other names: c.1832T>G (NM_005051.1); c.1799T>G, p.Ile600Ser (NM_001272073.2); short protein forms I611S, I600S.
Identifiers: ClinVar variation 477834 (VCV000477834.47), dbSNP rs757743183, ClinGen allele CA2391626.

ClinVar aggregate classification (germline): Uncertain significance. Review status: criteria provided, multiple submitters, no conflicts (2 of 4 stars). 3 submissions from 3 submitters: Uncertain significance (3). Last evaluated 2022-04-07.

Conditions:
Inborn genetic diseases. Identifiers: MedGen C0950123, MeSH D030342.
Diffuse cerebral and cerebellar atrophy - intractable seizures - progressive microcephaly syndrome. Also called: Microcephaly, progressive, with seizures and cerebral and cerebellar atrophy. Identifiers: Orphanet 404437, MedGen C4014239, MONDO:0014335, OMIM 615760.

Allele frequency attached by ClinVar (database versions not stated): gnomAD 0.00001; TOPMed 0.00002.

Submissions (3):

Labcorp Genetics (formerly Invitae), Labcorp
Classification: Uncertain significance for Diffuse cerebral and cerebellar atrophy - intractable seizures - progressive microcephaly syndrome. Last evaluated: 2022-04-07. Review status: criteria provided, single submitter. Criteria: Invitae Variant Classification Sherloc (09022015). Collection method: clinical testing. Allele origin: germline.
Comment: This sequence change replaces isoleucine, which is neutral and non-polar, with serine, which is neutral and polar, at codon 611 of the QARS protein (p.Ile611Ser). This variant is present in population databases (rs757743183, gnomAD 0.005%). This variant has not been reported in the literature in individuals affected with QARS-related conditions. ClinVar contains an entry for this variant (Variation ID: 477834). Algorithms developed to predict the effect of missense changes on protein structure and function (SIFT, PolyPhen-2, Align-GVGD) all suggest that this variant is likely to be tolerated. Algorithms developed to predict the effect of sequence changes on RNA splicing suggest that this variant may create or strengthen a splice site. In summary, the available evidence is currently insufficient to determine the role of this variant in disease. Therefore, it has been classified as a Variant of Uncertain Significance.

Ambry Genetics
Classification: Uncertain significance for Inborn genetic diseases. Last evaluated: 2021-08-02. Review status: criteria provided, single submitter. Criteria: Ambry Variant Classification Scheme 2023. Collection method: clinical testing. Allele origin: germline.

CeGaT Center for Human Genetics Tuebingen
Classification: Uncertain significance. Last evaluated: 2016-12-01. Review status: criteria provided, single submitter. Criteria: CeGaT Center For Human Genetics Tuebingen Variant Classification Criteria Version 2. Collection method: clinical testing. Allele origin: germline. Affected: yes. Observed: 1 variant allele.